The following is an entry in ClinVar:

NM_001253697.2(ERBIN):c.3488A>G (p.Asn1163Ser)

Gene: ERBIN (erbb2 interacting protein; plus strand). Cytogenetic location: 5q12.3.
Variant type: single nucleotide variant.
Coding change: c.3488A>G on transcript NM_001253697.2 (MANE Select); coding-DNA position 3488, A replaced by G.
Protein change: p.Asn1163Ser; replaces asparagine 1163 with serine.
Molecular consequence: missense variant.
Genome position (GRCh38, 1-based): chr5:66,054,806, A>G. VCF-style: chr5-66054806-A-G. GRCh37 (hg19) VCF-style: chr5-65350634-A-G.
Other names: c.3488A>G, p.Asn1163Ser (NM_001006600.3, NM_001253698.2, NM_001253699.2 and 1 more transcripts); c.3476A>G, p.Asn1159Ser (NM_001253701.2); short protein forms N1163S, N1159S.
Identifiers: ClinVar variation 1496391 (VCV001496391.9), dbSNP rs373256281, ClinGen allele CA3286664.

ClinVar aggregate classification (germline): Conflicting classifications of pathogenicity. Review status: criteria provided, conflicting classifications (1 of 4 stars). 2 submissions from 2 submitters: Uncertain significance (1); Likely benign (1). Last evaluated 2025-02-16.

Allele frequency attached by ClinVar (database versions not stated): gnomAD 0.00001; gnomAD exomes 0.00002 and 0.00005; ExAC 0.00003; TOPMed 0.00005; ESP Exome Variant Server 0.00008.
gnomAD v4.1: 37 of 1,614,074 alleles (0.0023%); highest among the groups gnomAD compares: Admixed American, 0.018%; no homozygotes.

Submissions (2):

Laboratory of Genetics, Children's Clinical University Hospital Latvia
Classification: Likely benign. Last evaluated: 2025-02-16. Review status: criteria provided, single submitter. Criteria: ACMG Guidelines, 2015. Collection method: clinical testing. Allele origin: germline. Affected: yes.

Labcorp Genetics (formerly Invitae), Labcorp
Classification: Uncertain significance. Last evaluated: 2023-12-23. Review status: criteria provided, single submitter. Criteria: Invitae Variant Classification Sherloc (09022015). Collection method: clinical testing. Allele origin: germline.
Comment: This sequence change replaces asparagine, which is neutral and polar, with serine, which is neutral and polar, at codon 1163 of the ERBIN protein (p.Asn1163Ser). This variant is present in population databases (rs373256281, gnomAD 0.03%). This variant has not been reported in the literature in individuals affected with ERBIN-related conditions. ClinVar contains an entry for this variant (Variation ID: 1496391). Algorithms developed to predict the effect of missense changes on protein structure and function output the following: SIFT: "Not Available"; PolyPhen-2: "Benign"; Align-GVGD: "Not Available". The serine amino acid residue is found in multiple mammalian species, which suggests that this missense change does not adversely affect protein function. In summary, the available evidence is currently insufficient to determine the role of this variant in disease. Therefore, it has been classified as a Variant of Uncertain Significance.